The following is an entry in ClinVar:

NM_005518.4(HMGCS2):c.726C>G (p.Tyr242Ter)

Gene: HMGCS2 (3-hydroxy-3-methylglutaryl-CoA synthase 2; minus strand). Cytogenetic location: 1p12.
Variant type: single nucleotide variant.
Coding change: c.726C>G on transcript NM_005518.4 (MANE Select); coding-DNA position 726, C replaced by G.
Protein change: p.Tyr242Ter; replaces tyrosine 242 with a stop codon.
Molecular consequence: nonsense.
Genome position (GRCh38, 1-based): chr1:119,759,242, G>C on the plus strand (C>G on the coding strand, the complement: HMGCS2 is on the minus strand). VCF-style: chr1-119759242-G-C. GRCh37 (hg19) VCF-style: chr1-120301865-G-C.
Other names: c.600C>G, p.Tyr200Ter (NM_001166107.1); short protein forms Y242*, Y200*.
Identifiers: ClinVar variation 2194069 (VCV002194069.5), dbSNP rs145838142, ClinGen allele CA1037802.

ClinVar aggregate classification (germline): Pathogenic/Likely pathogenic. Review status: criteria provided, multiple submitters, no conflicts (2 of 4 stars). 2 submissions from 2 submitters: Pathogenic (1); Likely pathogenic (1). Last evaluated 2025-10-09.

Conditions:
3-hydroxy-3-methylglutaryl-CoA synthase deficiency (HMGCS2D). Also called: HMGCS2 DEFICIENCY; MITOCHONDRIAL HMG-CoA SYNTHASE DEFICIENCY; HMG-CoA synthase-2 deficiency. Identifiers: Orphanet 35701, MedGen C2751532, MONDO:0011614, OMIM 605911.

Allele frequency attached by ClinVar (database versions not stated): gnomAD exomes 0.00001; ExAC 0.00005; gnomAD 0.00012; TOPMed 0.00017; ESP Exome Variant Server 0.00023.
gnomAD v4.1: 34 of 1,613,930 alleles (0.0021%); highest among the groups gnomAD compares: African/African-American, 0.045%; no homozygotes.

Submissions (2):

Labcorp Genetics (formerly Invitae), Labcorp
Classification: Pathogenic for 3-hydroxy-3-methylglutaryl-CoA synthase deficiency. Last evaluated: 2025-10-09. Review status: criteria provided, single submitter. Criteria: Invitae Variant Classification Sherloc (09022015). Collection method: clinical testing. Allele origin: germline.
Comment: This sequence change creates a premature translational stop signal (p.Tyr242*) in the HMGCS2 gene. It is expected to result in an absent or disrupted protein product. Loss-of-function variants in HMGCS2 are known to be pathogenic (PMID: 20346956, 23751782, 25511235). This variant is present in population databases (rs145838142, gnomAD 0.06%). This variant has not been reported in the literature in individuals affected with HMGCS2-related conditions. ClinVar contains an entry for this variant (Variation ID: 2194069). For these reasons, this variant has been classified as Pathogenic.

Johns Hopkins Genomics, Johns Hopkins University
Classification: Likely pathogenic for 3-hydroxy-3-methylglutaryl-CoA synthase deficiency. Last evaluated: 2022-12-07. Review status: criteria provided, single submitter. Criteria: ACMG Guidelines, 2015. Collection method: clinical testing. Allele origin: germline.
Comment: This HMGCS2 variant (rs145838142) is rare (<0.1%) in a large population dataset (gnomAD: 16/282718 total alleles; 0.006%; no homozygotes) and has not been reported in ClinVar or the literature, to our knowledge. This stopgain variant in exon 4 results in a premature termination codon (PTC) likely leading to nonsense-mediated decay and lack of protein production. We consider c.726C>G (p.Tyr242Ter) to be likely pathogenic.

Literature cited by the submitters: PubMed 20346956 (cited by Labcorp Genetics (formerly Invitae), Labcorp); PubMed 23751782 (cited by Labcorp Genetics (formerly Invitae), Labcorp); PubMed 25511235 (cited by Labcorp Genetics (formerly Invitae), Labcorp); PubMed 11228257 (cited by Johns Hopkins Genomics, Johns Hopkins University); PubMed 11479731 (cited by Johns Hopkins Genomics, Johns Hopkins University); PubMed 33045405 (cited by Johns Hopkins Genomics, Johns Hopkins University).